The following is an entry in ClinVar:

NM_000179.3(MSH6):c.3415G>T (p.Gly1139Cys)

Gene: MSH6 (mutS homolog 6; plus strand). Cytogenetic location: 2p16.3.
Variant type: single nucleotide variant.
Coding change: c.3415G>T on transcript NM_000179.3 (MANE Select); coding-DNA position 3415, G replaced by T.
Protein change: p.Gly1139Cys; replaces glycine 1139 with cysteine.
Molecular consequence: missense variant.
Genome position (GRCh38, 1-based): chr2:47,803,662, G>T. VCF-style: chr2-47803662-G-T. GRCh37 (hg19) VCF-style: chr2-48030801-G-T.
Other names: c.3025G>T, p.Gly1009Cys (NM_001281492.2); c.2509G>T, p.Gly837Cys (NM_001281493.2, NM_001281494.2); short protein forms G837C, G1139C, G1009C.
Identifiers: ClinVar variation 665466 (VCV000665466.14), dbSNP rs63751063, ClinGen allele CA346758916.

ClinVar aggregate classification (germline): Conflicting classifications of pathogenicity. Review status: criteria provided, conflicting classifications (1 of 4 stars). 2 submissions from 2 submitters: Likely pathogenic (1); Uncertain significance (1). Last evaluated 2024-06-13.

Conditions:
Hereditary cancer-predisposing syndrome. Also called: Tumor predisposition; Hereditary neoplastic syndrome; Neoplastic Syndromes, Hereditary; Hereditary Cancer Syndrome. Identifiers: Orphanet 140162, MedGen C0027672, MeSH D009386, MONDO:0015356.
Hereditary nonpolyposis colorectal neoplasms. Identifiers: MedGen C0009405, MeSH D003123.

Submissions (2):

Ambry Genetics
Classification: Likely pathogenic for Hereditary cancer-predisposing syndrome. Last evaluated: 2024-06-13. Review status: criteria provided, single submitter. Criteria: Ambry Variant Classification Scheme 2023. Collection method: clinical testing. Allele origin: germline.
Comment: The p.G1139C variant (also known as c.3415G>T), located in coding exon 5 of the MSH6 gene, results from a G to T substitution at nucleotide position 3415. The glycine at codon 1139 is replaced by cysteine, an amino acid with highly dissimilar properties. Another variant at the same codon, p.G1139S (c.3415G>A), has been identified in at least one individual whose colorectal tumors demonstrated high microsatellite instability with loss of MSH6 staining on immunohistochemistry (Steinke V et al. Eur J Hum Genet, 2008 May;16:587-92). In multiple assays testing MSH6 function, this variant showed functionally abnormal results (Drost M et al. Hum Mutat, 2012 Mar;33:488-94; Drost M et al. Genet Med, 2020 05;22:847-856; Wielders EA et al. PLoS One, 2013 Sep;8:e74766; Houlleberghs H et al. PLoS Genet, 2017 May;13:e1006765; Belvederesi L et al. Fam Cancer, 2012 Dec;11:675-80). This amino acid position is highly conserved in available vertebrate species. Based on internal structural analysis, this variant is anticipated to decrease ligand binding (Warren JJ et al. Mol Cell, 2007 May;26:579-92). In addition, the p.G1139C alteration is predicted to be deleterious by in silico analysis. Based on the majority of available evidence to date, this variant is likely to be pathogenic.

Labcorp Genetics (formerly Invitae), Labcorp
Classification: Uncertain significance for Hereditary nonpolyposis colorectal neoplasms. Last evaluated: 2018-12-17. Review status: criteria provided, single submitter. Criteria: Invitae Variant Classification Sherloc (09022015). Collection method: clinical testing. Allele origin: germline.
Comment: In summary, the available evidence is currently insufficient to determine the role of this variant in disease. Therefore, it has been classified as a Variant of Uncertain Significance. Algorithms developed to predict the effect of missense changes on protein structure and function (SIFT, PolyPhen-2, Align-GVGD) all suggest that this variant is likely to be disruptive, but these predictions have not been confirmed by published functional studies and their clinical significance is uncertain. This variant has not been reported in the literature in individuals with MSH6-related conditions. This variant is not present in population databases (ExAC no frequency). This sequence change replaces glycine with cysteine at codon 1139 of the MSH6 protein (p.Gly1139Cys). The glycine residue is highly conserved and there is a large physicochemical difference between glycine and cysteine.

Literature cited by the submitters: PubMed 17531815 (cited by Ambry Genetics).